The following is an entry in ClinVar:

NM_000179.3(MSH6):c.1549A>C (p.Ile517Leu)

Gene: MSH6 (mutS homolog 6; plus strand). Cytogenetic location: 2p16.3.
Variant type: single nucleotide variant.
Coding change: c.1549A>C on transcript NM_000179.3 (MANE Select); coding-DNA position 1549, A replaced by C.
Protein change: p.Ile517Leu; replaces isoleucine 517 with leucine.
Molecular consequence: missense variant.
Genome position (GRCh38, 1-based): chr2:47,799,532, A>C. VCF-style: chr2-47799532-A-C. GRCh37 (hg19) VCF-style: chr2-48026671-A-C.
Other names: c.1159A>C, p.Ile387Leu (NM_001281492.2); c.643A>C, p.Ile215Leu (NM_001281493.2, NM_001281494.2, NM_001406811.1 and 6 more transcripts); c.1645A>C, p.Ile549Leu (NM_001406795.1, NM_001406802.1); c.1549A>C, p.Ile517Leu (NM_001406796.1, NM_001406798.1, NM_001406800.1 and 4 more transcripts); c.1252A>C, p.Ile418Leu (NM_001406797.1, NM_001406801.1, NM_001406805.1 and 10 more transcripts); c.1024A>C, p.Ile342Leu (NM_001406799.1, NM_001406806.1, NM_001406807.1); c.1471A>C, p.Ile491Leu (NM_001406804.1); c.1555A>C, p.Ile519Leu (NM_001406813.1); and 1 more; short protein forms I418L, I461L, I342L, I387L, I491L, I519L, I549L, I215L.
Identifiers: ClinVar variation 1774989 (VCV001774989.2), dbSNP rs2104350987, ClinGen allele CA346746640.

ClinVar aggregate classification (germline): Uncertain significance (1 of 4 stars; one submission).

Conditions:
Hereditary cancer-predisposing syndrome. Also called: Hereditary Cancer Syndrome; Hereditary neoplastic syndrome; Neoplastic Syndromes, Hereditary; Tumor predisposition. Identifiers: Orphanet 140162, MedGen C0027672, MeSH D009386, MONDO:0015356.

gnomAD v4.1: 1 of 1,614,190 alleles (0.000062%); highest among the groups gnomAD compares: Non-Finnish European, 0.000085%; no homozygotes.

Submission:

Ambry Genetics
Classification: Uncertain significance for Hereditary cancer-predisposing syndrome. Last evaluated: 2020-03-05. Review status: criteria provided, single submitter. Criteria: Ambry Variant Classification Scheme 2023. Collection method: clinical testing. Allele origin: germline.
Comment: The p.I517L variant (also known as c.1549A>C), located in coding exon 4 of the MSH6 gene, results from an A to C substitution at nucleotide position 1549. The isoleucine at codon 517 is replaced by leucine, an amino acid with highly similar properties. This amino acid position is highly conserved in available vertebrate species. In addition, the in silico prediction for this alteration is inconclusive. Since supporting evidence is limited at this time, the clinical significance of this alteration remains unclear.